The following is an entry in ClinVar:

ClinVar aggregate classification (germline): Uncertain significance. Review status: criteria provided, multiple submitters, no conflicts (2 of 4 stars). 2 submissions from 2 submitters: Uncertain significance (2). Last evaluated 2025-08-22.

Conditions:
Inborn genetic diseases. Identifiers: MedGen C0950123, MeSH D030342.

Allele frequency attached by ClinVar (database versions not stated): TOPMed below 0.00001; gnomAD 0.00001.
gnomAD v4.1: 6 of 1,607,658 alleles (0.00037%); highest among the groups gnomAD compares: South Asian, 0.0033%; no homozygotes.

Submissions (2):

Ambry Genetics
Classification: Uncertain significance for Inborn genetic diseases. Last evaluated: 2025-08-22. Review status: criteria provided, single submitter. Criteria: Ambry Variant Classification Scheme 2023. Collection method: clinical testing. Allele origin: germline.

Labcorp Genetics (formerly Invitae), Labcorp
Classification: Uncertain significance. Last evaluated: 2022-07-21. Review status: criteria provided, single submitter. Criteria: Invitae Variant Classification Sherloc (09022015). Collection method: clinical testing. Allele origin: germline.
Comment: This sequence change replaces histidine, which is basic and polar, with arginine, which is basic and polar, at codon 1217 of the TUBGCP6 protein (p.His1217Arg). This variant is present in population databases (no rsID available, gnomAD 0.003%). This variant has not been reported in the literature in individuals affected with TUBGCP6-related conditions. Algorithms developed to predict the effect of missense changes on protein structure and function are either unavailable or do not agree on the potential impact of this missense change (SIFT: "Tolerated"; PolyPhen-2: "Possibly Damaging"; Align-GVGD: "Class C0"). In summary, the available evidence is currently insufficient to determine the role of this variant in disease. Therefore, it has been classified as a Variant of Uncertain Significance.

NM_020461.4(TUBGCP6):c.3650A>G (p.His1217Arg)

Gene: TUBGCP6 (tubulin gamma complex component 6; minus strand). Cytogenetic location: 22q13.33.
Variant type: single nucleotide variant.
Coding change: c.3650A>G on transcript NM_020461.4 (MANE Select); coding-DNA position 3650, A replaced by G.
Protein change: p.His1217Arg; replaces histidine 1217 with arginine.
Molecular consequence: missense variant.
Genome position (GRCh38, 1-based): chr22:50,220,709, T>C on the plus strand (A>G on the coding strand, the complement: TUBGCP6 is on the minus strand). VCF-style: chr22-50220709-T-C. GRCh37 (hg19) VCF-style: chr22-50659138-T-C.
Other names: c.3650A>G (NM_020461.3); short protein forms H1217R.
Identifiers: ClinVar variation 1959681 (VCV001959681.3), dbSNP rs776533464, ClinGen allele CA412181093.
Genomic context (GRCh38, chr22:50,220,709, plus strand): 5'-GACCGGATGGGAGCCACGTCCGATACGTTCTCCCCAACCCTGATGCTGGTGTCAGACACA[T>C]GTCCGTGGGTGTTCCACCGTGGCCGGGTGGGAGCCATGTCTGACACAGACTCCCCCAAGC-3'
Protein context (NP_065194.3, residues 1207-1227): PTRPRWNTHG[His1217Arg]VSDTSIRVGE